The following is an entry in ClinVar:

NM_014215.3(INSRR):c.3042G>A (p.Thr1014=)

Genes: INSRR (insulin receptor related receptor; minus strand), NTRK1 (neurotrophic receptor tyrosine kinase 1; plus strand). Cytogenetic location: 1q23.1.
Variant type: single nucleotide variant.
Coding change: c.3042G>A on transcript NM_014215.3 (MANE Select); coding-DNA position 3042, G replaced by A.
Protein change: p.Thr1014=; no amino-acid change (threonine 1014 retained).
Molecular consequence: synonymous variant. On other transcripts: intron variant (1).
Genome position (GRCh38, 1-based): chr1:156,843,088, C>T on the plus strand (G>A on the coding strand, the complement: INSRR is on the minus strand). VCF-style: chr1-156843088-C-T. GRCh37 (hg19) VCF-style: chr1-156812880-C-T.
Other names: c.122+895C>T (NM_001007792.1).
Identifiers: ClinVar variation 2639465 (VCV002639465.22), dbSNP rs56266370, ClinGen allele CA1167818.
Genomic context (GRCh38, chr1:156,843,088, plus strand): 5'-CATGACAGAAGCTTCCTTGAGGAACTCAATGCATTCCCGTGGGCTGGCCAGCTCATTCAC[C>T]GTCTTCAGGGCCACGGGTGTGGACTCCTCTCCAGCCTCAAGTCCTCGTGCCAGCCCCTCA-3'
Protein context (NP_055030.1, residues 1004-1024): GEESTPVALK[Thr1014=]VNELASPREC

ClinVar aggregate classification (germline): Likely benign (1 of 4 stars; one submission).

Allele frequency attached by ClinVar (database versions not stated): 1000 Genomes Project 30x 0.00062; ExAC 0.00013; 1000 Genomes Project 0.00060.
gnomAD v4.1: 179 of 1,614,140 alleles (0.011%); highest among the groups gnomAD compares: Middle Eastern, 0.16%; no homozygotes.

Submission:

CeGaT Center for Human Genetics Tuebingen
Classification: Likely benign. Last evaluated: 2022-05-01. Review status: criteria provided, single submitter. Criteria: CeGaT Center For Human Genetics Tuebingen Variant Classification Criteria Version 2. Collection method: clinical testing. Allele origin: germline. Affected: yes. Observed: 1 variant allele.
Comment: INSRR: BP4, BP7